The following is an entry in ClinVar:

NM_004380.3(CREBBP):c.6890A>G (p.Gln2297Arg)

Gene: CREBBP (CREB binding protein; minus strand). Cytogenetic location: 16p13.3.
Variant type: single nucleotide variant.
Coding change: c.6890A>G on transcript NM_004380.3 (MANE Select); coding-DNA position 6890, A replaced by G.
Protein change: p.Gln2297Arg; replaces glutamine 2297 with arginine.
Molecular consequence: missense variant.
Genome position (GRCh38, 1-based): chr16:3,728,157, T>C on the plus strand (A>G on the coding strand, the complement: CREBBP is on the minus strand). VCF-style: chr16-3728157-T-C. GRCh37 (hg19) VCF-style: chr16-3778158-T-C.
Other names: c.6776A>G, p.Gln2259Arg (NM_001079846.1); short protein forms Q2259R, Q2297R.
Identifiers: ClinVar variation 3381347 (VCV003381347.1).

ClinVar aggregate classification (germline): Uncertain significance (1 of 4 stars; one submission).

gnomAD v4.1: 1 of 1,614,172 alleles (0.000062%); highest among the groups gnomAD compares: Non-Finnish European, 0.000085%; no homozygotes.

Submission:

GeneDx
Classification: Uncertain significance. Last evaluated: 2024-05-24. Review status: criteria provided, single submitter. Criteria: GeneDx Variant Classification Process June 2021. Collection method: clinical testing. Allele origin: germline. Affected: yes.
Comment: Not observed at significant frequency in large population cohorts (gnomAD); In silico analysis indicates that this missense variant does not alter protein structure/function; Has not been previously published as pathogenic or benign to our knowledge